The following is an entry in ClinVar:

ClinVar aggregate classification (germline): Uncertain significance (1 of 4 stars; one submission).

Conditions:
Neuropathy, hereditary sensory and autonomic, type 2A (HSAN2A). Also called: ACROOSTEOLYSIS, GIACCAI TYPE; ACROOSTEOLYSIS, NEUROGENIC; MORVAN DISEASE; NEUROPATHY, CONGENITAL SENSORY; NEUROPATHY, HEREDITARY SENSORY RADICULAR, AUTOSOMAL RECESSIVE; NEUROPATHY, HEREDITARY SENSORY, TYPE IIA. Identifiers: Orphanet 970, MedGen C2752089, MONDO:0024309, OMIM 201300.
Pseudohypoaldosteronism type 2C (PHA2C). Also called: Pseudohypoaldosteronism Type IIC. Identifiers: Orphanet 757, Orphanet 88940, MedGen C1840391, MONDO:0013778, OMIM 614492.

Submission:

Labcorp Genetics (formerly Invitae), Labcorp
Classification: Uncertain significance for Neuropathy, hereditary sensory and autonomic, type 2A; Pseudohypoaldosteronism type 2C. Last evaluated: 2022-01-14. Review status: criteria provided, single submitter. Criteria: Invitae Variant Classification Sherloc (09022015). Collection method: clinical testing. Allele origin: germline.
Comment: This sequence change replaces valine, which is neutral and non-polar, with phenylalanine, which is neutral and non-polar, at codon 655 of the WNK1 protein (p.Val655Phe). This variant is not present in population databases (gnomAD no frequency). This variant has not been reported in the literature in individuals affected with WNK1-related conditions. Advanced modeling of protein sequence and biophysical properties (such as structural, functional, and spatial information, amino acid conservation, physicochemical variation, residue mobility, and thermodynamic stability) performed at Invitae indicates that this missense variant is not expected to disrupt WNK1 protein function. In summary, the available evidence is currently insufficient to determine the role of this variant in disease. Therefore, it has been classified as a Variant of Uncertain Significance.

NM_018979.4(WNK1):c.1963G>T (p.Val655Phe)

Gene: WNK1 (WNK lysine deficient protein kinase 1; plus strand). Cytogenetic location: 12p13.33.
Variant type: single nucleotide variant.
Coding change: c.1963G>T on transcript NM_018979.4 (MANE Select); coding-DNA position 1963, G replaced by T.
Protein change: p.Val655Phe; replaces valine 655 with phenylalanine.
Molecular consequence: missense variant.
Genome position (GRCh38, 1-based): chr12:862,094, G>T. VCF-style: chr12-862094-G-T. GRCh37 (hg19) VCF-style: chr12-971260-G-T.
Other names: c.1963G>T, p.Val655Phe (NM_001184985.2, NM_014823.3, NM_213655.5); short protein forms V655F.
Identifiers: ClinVar variation 1471437 (VCV001471437.8), dbSNP rs370488966, ClinGen allele CA383336104.